The following is an entry in ClinVar:

ClinVar aggregate classification (germline): Likely benign. Review status: criteria provided, multiple submitters, no conflicts (2 of 4 stars). 3 submissions from 3 submitters: Likely benign (3). Last evaluated 2026-05-01.

Conditions:
Early Myoclonic Encephalopathy. Identifiers: MedGen C0270855.

Allele frequency attached by ClinVar (database versions not stated): gnomAD exomes 0.00051 and 0.00121; gnomAD 0.00056; TOPMed 0.00077; ExAC 0.00040; ESP Exome Variant Server 0.00049.
gnomAD v4.1: 1,862 of 1,613,880 alleles (0.12%); highest among the groups gnomAD compares: Non-Finnish European, 0.15%; 2 homozygotes.

Submissions (3):

CeGaT Center for Human Genetics Tuebingen
Classification: Likely benign. Last evaluated: 2026-05-01. Review status: criteria provided, single submitter. Criteria: CeGaT Center For Human Genetics Tuebingen Variant Classification Criteria Version 2. Collection method: clinical testing. Allele origin: germline. Affected: yes. Observed: 2 variant alleles.
Comment: JMJD1C: BP4, BS2

Labcorp Genetics (formerly Invitae), Labcorp
Classification: Likely benign for Early Myoclonic Encephalopathy. Last evaluated: 2025-09-15. Review status: criteria provided, single submitter. Criteria: Invitae Variant Classification Sherloc (09022015). Collection method: clinical testing. Allele origin: germline.

Breakthrough Genomics
Classification: Likely benign. Review status: criteria provided, single submitter. Criteria: ACMG Guidelines, 2015. Collection method: not provided. Allele origin: germline. Inheritance: Unknown mechanism. Affected: yes.

NM_032776.3(JMJD1C):c.4286C>T (p.Ser1429Leu)

Gene: JMJD1C (jumonji domain containing 1C; minus strand). Cytogenetic location: 10q21.3.
Variant type: single nucleotide variant.
Coding change: c.4286C>T on transcript NM_032776.3 (MANE Select); coding-DNA position 4286, C replaced by T.
Protein change: p.Ser1429Leu; replaces serine 1429 with leucine.
Molecular consequence: missense variant. On other transcripts: non-coding transcript variant (1).
Genome position (GRCh38, 1-based): chr10:63,207,383, G>A on the plus strand (C>T on the coding strand, the complement: JMJD1C is on the minus strand). VCF-style: chr10-63207383-G-A. GRCh37 (hg19) VCF-style: chr10-64967143-G-A.
Other names: c.3740C>T, p.Ser1247Leu (NM_001282948.2, NM_001318154.2); c.3422C>T, p.Ser1141Leu (NM_001318153.2); c.4172C>T, p.Ser1391Leu (NM_001322252.2); c.3629C>T, p.Ser1210Leu (NM_001322254.2, NM_001322258.2); short protein forms S1429L, S1210L, S1247L, S1391L, S1141L.
Identifiers: ClinVar variation 460245 (VCV000460245.20), dbSNP rs201627592, ClinGen allele CA5518294.